The following is an entry in ClinVar:

NM_000051.4(ATM):c.5177+3_5177+6del

Gene: ATM (ATM serine/threonine kinase; plus strand). Cytogenetic location: 11q22.3.
Variant type: Deletion.
Coding change: c.5177+3_5177+6del on transcript NM_000051.4 (MANE Select); bases 3 to 6 of the intron after coding-DNA position 5177, 4 bases deleted (GAGT; older notation c.5177+3_5177+6delGAGT).
Molecular consequence: splice donor variant.
Genome position (GRCh38, 1-based): chr11:108,299,888-108,299,891, GAGT deleted; deleting any 4 consecutive bases within chr11:108,299,886-108,299,891 gives the same sequence; the c. name uses the placement nearest the transcript's 3' end. VCF-style (leftmost placement, unchanged base first): chr11-108299885-GGTGA-G. GRCh37 (hg19) VCF-style: chr11-108170612-GGTGA-G.
Other names: c.5177+3_5177+6del (NM_001351834.2).
Identifiers: ClinVar variation 1938108 (VCV001938108.6), dbSNP rs2546965929, ClinGen allele CA2580083024.

ClinVar aggregate classification (germline): Conflicting classifications of pathogenicity. Review status: criteria provided, conflicting classifications (1 of 4 stars). 2 submissions from 2 submitters: Likely pathogenic (1); Uncertain significance (1). Last evaluated 2023-09-26.

Conditions:
Ataxia-telangiectasia syndrome (AT). Also called: Ataxia-telangiectasia, complementation group D; AT, COMPLEMENTATION GROUP C; Ataxia-telangiectasia; Ataxia telangiectasia (A-T); Cerebello-oculocutaneous telangiectasia; Immunodeficiency with ataxia telangiectasia. Identifiers: Orphanet 100, MedGen C0004135, MONDO:0008840, OMIM 208900.
Familial cancer of breast. Also called: Hereditary breast cancer; hereditary breast carcinoma; BREAST CANCER, FAMILIAL. Identifiers: Orphanet 227535, MedGen C0346153, MONDO:0016419, OMIM 114480. Disease mechanism: loss of function.

Submissions (2):

Baylor Genetics
Classification: Likely pathogenic for Familial cancer of breast. Last evaluated: 2023-09-26. Review status: criteria provided, single submitter. Criteria: ACMG Guidelines, 2015. Collection method: clinical testing. Allele origin: unknown.

Labcorp Genetics (formerly Invitae), Labcorp
Classification: Uncertain significance for Ataxia-telangiectasia syndrome. Last evaluated: 2022-05-15. Review status: criteria provided, single submitter. Criteria: Invitae Variant Classification Sherloc (09022015). Collection method: clinical testing. Allele origin: germline.
Comment: In summary, the available evidence is currently insufficient to determine the role of this variant in disease. Therefore, it has been classified as a Variant of Uncertain Significance. Variants that disrupt the consensus splice site are a relatively common cause of aberrant splicing (PMID: 17576681, 9536098). Algorithms developed to predict the effect of sequence changes on RNA splicing suggest that this variant may disrupt the consensus splice site. This variant has not been reported in the literature in individuals affected with ATM-related conditions. This variant is not present in population databases (gnomAD no frequency). This sequence change falls in intron 34 of the ATM gene. It does not directly change the encoded amino acid sequence of the ATM protein. It affects a nucleotide within the consensus splice site.

Literature cited by the submitters: PubMed 17576681 (cited by Labcorp Genetics (formerly Invitae), Labcorp); PubMed 9536098 (cited by Labcorp Genetics (formerly Invitae), Labcorp).